The following is an entry in ClinVar:

NM_178138.6(LHX3):c.776-19G>A

Gene: LHX3 (LIM homeobox 3; minus strand). Cytogenetic location: 9q34.3.
Variant type: single nucleotide variant.
Coding change: c.776-19G>A on transcript NM_178138.6 (MANE Select); 19 bases into the intron before coding-DNA position 776, G replaced by A.
Molecular consequence: intron variant.
Genome position (GRCh38, 1-based): chr9:136,197,762, C>T on the plus strand (G>A on the coding strand, the complement: LHX3 is on the minus strand). VCF-style: chr9-136197762-C-T. GRCh37 (hg19) VCF-style: chr9-139089608-C-T.
Other names: c.791-19G>A (NM_014564.5); c.743-19G>A (NM_001363746.1).
Identifiers: ClinVar variation 2898990 (VCV002898990.4), dbSNP rs1474280538, ClinGen allele CA591166399.

ClinVar aggregate classification (germline): Likely benign. Review status: criteria provided, multiple submitters, no conflicts (2 of 4 stars). 2 submissions from 2 submitters: Likely benign (2). Last evaluated 2024-07-22.

Allele frequency attached by ClinVar (database versions not stated): gnomAD exomes 0.00001.
gnomAD v4.1: 3 of 1,598,662 alleles (0.00019%); highest among the groups gnomAD compares: East Asian, 0.0045%; no homozygotes.

Submissions (2):

Women's Health and Genetics/Laboratory Corporation of America, LabCorp
Classification: Likely benign. Last evaluated: 2024-07-22. Review status: criteria provided, single submitter. Criteria: LabCorp Variant Classification Summary - May 2015. Collection method: clinical testing. Allele origin: germline.
Comment: Variant summary: LHX3 c.791-19G>A alters a non-conserved nucleotide located at a position not widely known to affect splicing. Consensus agreement among computation tools predict no significant impact on normal splicing. However, these predictions have yet to be confirmed by functional studies. The variant allele was found at a frequency of 1.3e-05 in 224062 control chromosomes. The available data on variant occurrences in the general population are insufficient to allow any conclusion about variant significance. To our knowledge, no occurrence of c.791-19G>A in individuals affected with Combined Pituitary Hormone Deficiency and no experimental evidence demonstrating its impact on protein function have been reported. ClinVar contains an entry for this variant (Variation ID: 2898990). Based on the evidence outlined above, the variant was classified as likely benign.

Labcorp Genetics (formerly Invitae), Labcorp
Classification: Likely benign. Last evaluated: 2023-06-28. Review status: criteria provided, single submitter. Criteria: Invitae Variant Classification Sherloc (09022015). Collection method: clinical testing. Allele origin: germline.